The following is an entry in ClinVar:

ClinVar aggregate classification (germline): Benign/Likely benign. Review status: criteria provided, multiple submitters, no conflicts (2 of 4 stars). 4 submissions from 4 submitters: Benign (1); Likely benign (3). Last evaluated 2025-12-22.

Conditions:
GJB4-related disorder. Also called: GJB4-related condition.

Allele frequency attached by ClinVar (database versions not stated): 1000 Genomes Project 30x 0.00016; 1000 Genomes Project 0.00020; TOPMed 0.00061; gnomAD 0.00068 and 0.00080; ESP Exome Variant Server 0.00085; gnomAD exomes 0.00102 and 0.00122; ExAC 0.00125.

Submissions (4):

Labcorp Genetics (formerly Invitae), Labcorp
Classification: Benign. Last evaluated: 2025-12-22. Review status: criteria provided, single submitter. Criteria: Invitae Variant Classification Sherloc (09022015). Collection method: clinical testing. Allele origin: germline.

PreventionGenetics, part of Exact Sciences
Classification: Likely benign for GJB4-related condition. Last evaluated: 2025-11-21. Review status: criteria provided, single submitter. Criteria: ACMG Guidelines, 2015. Collection method: clinical testing. Allele origin: germline.
Comment: This variant is classified as likely benign based on ACMG/AMP sequence variant interpretation guidelines (Richards et al. 2015 PMID: 25741868, with internal and published modifications).

CeGaT Center for Human Genetics Tuebingen
Classification: Likely benign. Last evaluated: 2018-05-01. Review status: criteria provided, single submitter. Criteria: CeGaT Center For Human Genetics Tuebingen Variant Classification Criteria Version 2. Collection method: clinical testing. Allele origin: germline. Affected: yes. Observed: 1 variant allele.

Breakthrough Genomics
Classification: Likely benign. Review status: criteria provided, single submitter. Criteria: ACMG Guidelines, 2015. Collection method: not provided. Allele origin: germline. Inheritance: Autosomal dominant inheritance. Affected: yes.

NM_153212.3(GJB4):c.219C>T (p.His73=)

Gene: GJB4 (gap junction protein beta 4; plus strand). Cytogenetic location: 1p34.3.
Variant type: single nucleotide variant.
Coding change: c.219C>T on transcript NM_153212.3 (MANE Select); coding-DNA position 219, C replaced by T.
Protein change: p.His73=; no amino-acid change (histidine 73 retained).
Molecular consequence: synonymous variant.
Genome position (GRCh38, 1-based): chr1:34,761,473, C>T. VCF-style: chr1-34761473-C-T. GRCh37 (hg19) VCF-style: chr1-35227074-C-T.
Identifiers: ClinVar variation 709647 (VCV000709647.48), dbSNP rs143547547, ClinGen allele CA754514.